The following is an entry in ClinVar:

NM_006231.4(POLE):c.910-6_910-5delinsCA

Gene: POLE (DNA polymerase epsilon, catalytic subunit; minus strand). Cytogenetic location: 12q24.33.
Variant type: Indel.
Coding change: c.910-6_910-5delinsCA on transcript NM_006231.4 (MANE Select); 6 bases into the intron before coding-DNA position 910 through 5 bases into the intron before coding-DNA position 910, GG replaced by CA.
Molecular consequence: intron variant.
Genome position (GRCh38, 1-based): chr12:132,676,209-132,676,210, CC replaced by TG on the plus strand (GG replaced by CA on the coding strand, the reverse complement: POLE is on the minus strand). VCF-style: chr12-132676209-CC-TG. GRCh37 (hg19) VCF-style: chr12-133252795-CC-TG.
Other names: c.910-6_910-5delGGinsCA (NM_006231.3).
Identifiers: ClinVar variation 473842 (VCV000473842.15), dbSNP rs1555229333, ClinGen allele CA658658225.

ClinVar aggregate classification (germline): Conflicting classifications of pathogenicity. Review status: criteria provided, conflicting classifications (1 of 4 stars). 2 submissions from 2 submitters: Uncertain significance (1); Likely benign (1). Last evaluated 2025-11-19.

Conditions:
Hereditary cancer-predisposing syndrome. Also called: Neoplastic Syndromes, Hereditary; Tumor predisposition; Hereditary Cancer Syndrome; Hereditary neoplastic syndrome. Identifiers: Orphanet 140162, MedGen C0027672, MeSH D009386, MONDO:0015356.

Submissions (2):

Labcorp Genetics (formerly Invitae), Labcorp
Classification: Likely benign. Last evaluated: 2025-11-19. Review status: criteria provided, single submitter. Criteria: Invitae Variant Classification Sherloc (09022015). Collection method: clinical testing. Allele origin: germline.

Ambry Genetics
Classification: Uncertain significance for Hereditary cancer-predisposing syndrome. Last evaluated: 2025-03-31. Review status: criteria provided, single submitter. Criteria: Ambry Variant Classification Scheme 2023. Collection method: clinical testing. Allele origin: germline.
Comment: The c.910-6_910-5delGGinsCA intronic variant, begins 6 nucleotides before coding exon 10 of the POLE gene, results from an in-frame from the deletion of two nucleotides and the insertion of two nucleotides at nucleotide positions c.910-6 to c.910-5. This nucleotide region is poorly conserved in available vertebrate species. In silico splice site analysis predicts that this alteration may weaken the native splice acceptor site. Based on the available evidence, the clinical significance of this variant remains unclear.

Literature cited by the submitters: PubMed 19339519 (cited by Ambry Genetics).